The following is an entry in ClinVar:

NM_006231.4(POLE):c.4522C>G (p.Arg1508Gly)

Gene: POLE (DNA polymerase epsilon, catalytic subunit; minus strand). Cytogenetic location: 12q24.33.
Variant type: single nucleotide variant.
Coding change: c.4522C>G on transcript NM_006231.4 (MANE Select); coding-DNA position 4522, C replaced by G.
Protein change: p.Arg1508Gly; replaces arginine 1508 with glycine.
Molecular consequence: missense variant.
Genome position (GRCh38, 1-based): chr12:132,643,253, G>C on the plus strand (C>G on the coding strand, the complement: POLE is on the minus strand). VCF-style: chr12-132643253-G-C. GRCh37 (hg19) VCF-style: chr12-133219839-G-C.
Other names: short protein forms R1508G.
Identifiers: ClinVar variation 473670 (VCV000473670.25), dbSNP rs766511597, ClinGen allele CA246304484.

ClinVar aggregate classification (germline): Uncertain significance. Review status: criteria provided, multiple submitters, no conflicts (2 of 4 stars). 8 submissions from 8 submitters: Uncertain significance (7). 1 of the submissions does not count toward it. Last evaluated 2026-01-18.

Conditions:
Facial dysmorphism-immunodeficiency-livedo-short stature syndrome. Also called: Facial dysmorphism, immunodeficiency, livedo, and short stature; FILS syndrome. Identifiers: Orphanet 352712, MedGen C3554576, MONDO:0014058, OMIM 615139.
Colorectal cancer, susceptibility to, 12 (CRCS12). Also called: COLORECTAL CANCER, SUSCEPTIBILITY TO, ON CHROMOSOME 12q24. Identifiers: Orphanet 220460, MedGen C3554460, MONDO:0014038, OMIM 615083.
Hereditary cancer-predisposing syndrome. Also called: Neoplastic Syndromes, Hereditary; Tumor predisposition; Hereditary Cancer Syndrome; Hereditary neoplastic syndrome. Identifiers: Orphanet 140162, MedGen C0027672, MeSH D009386, MONDO:0015356.
Familial colorectal cancer. Identifiers: MedGen CN280943, MONDO:0023113. Disease mechanism: loss of function.
POLE-related disorder. Also called: POLE-related disorders; POLE-related condition.

Allele frequency attached by ClinVar (database versions not stated): TOPMed 0.00006.
gnomAD v4.1: 24 of 1,613,700 alleles (0.0015%); highest among the groups gnomAD compares: Admixed American, 0.037%; no homozygotes.

Submissions (8):

Labcorp Genetics (formerly Invitae), Labcorp
Classification: Uncertain significance. Last evaluated: 2026-01-18. Review status: criteria provided, single submitter. Criteria: Invitae Variant Classification Sherloc (09022015). Collection method: clinical testing. Allele origin: germline.
Comment: This sequence change replaces arginine, which is basic and polar, with glycine, which is neutral and non-polar, at codon 1508 of the POLE protein (p.Arg1508Gly). This variant is present in population databases (no rsID available, gnomAD 0.006%). This missense change has been observed in individual(s) with common variable immunodeficiency (PMID: 27379089). ClinVar contains an entry for this variant (Variation ID: 473670). Invitae Evidence Modeling of protein sequence and biophysical properties (such as structural, functional, and spatial information, amino acid conservation, physicochemical variation, residue mobility, and thermodynamic stability) indicates that this missense variant is not expected to disrupt POLE protein function with a negative predictive value of 80%. In summary, the available evidence is currently insufficient to determine the role of this variant in disease. Therefore, it has been classified as a Variant of Uncertain Significance.

Ambry Genetics
Classification: Uncertain significance for Hereditary cancer-predisposing syndrome. Last evaluated: 2024-12-20. Review status: criteria provided, single submitter. Criteria: Ambry Variant Classification Scheme 2023. Collection method: clinical testing. Allele origin: germline.
Comment: The p.R1508G variant (also known as c.4522C>G), located in coding exon 35 of the POLE gene, results from a C to G substitution at nucleotide position 4522. The arginine at codon 1508 is replaced by glycine, an amino acid with dissimilar properties. This amino acid position is highly conserved in available vertebrate species. In addition, the in silico prediction for this alteration is inconclusive. Based on the available evidence, the clinical significance of this variant remains unclear.

GeneDx
Classification: Uncertain significance. Last evaluated: 2024-05-14. Review status: criteria provided, single submitter. Criteria: GeneDx Variant Classification Process June 2021. Collection method: clinical testing. Allele origin: germline. Affected: yes.
Comment: Not observed at significant frequency in large population cohorts (gnomAD); In silico analysis supports that this missense variant has a deleterious effect on protein structure/function; Identified via exome sequencing in an individual with common variable immunodeficiency for whom no information about personal or family cancer history was provided (PMID: 27379089); This variant is associated with the following publications: (PMID: 27379089)

Women's Health and Genetics/Laboratory Corporation of America, LabCorp
Classification: Uncertain significance. Last evaluated: 2024-01-11. Review status: criteria provided, single submitter. Criteria: LabCorp Variant Classification Summary - May 2015. Collection method: clinical testing. Allele origin: germline.
Comment: Variant summary: POLE c.4522C>G (p.Arg1508Gly) results in a non-conservative amino acid change in the encoded protein sequence. Three of five in-silico tools predict a benign effect of the variant on protein function. The variant allele was found at a frequency of 2e-05 in 247300 control chromosomes (gnomAD). The available data on variant occurrences in the general population are insufficient to allow any conclusion about variant significance. c.4522C>G has been reported in the literature in an individual affected with immunodeficiency (Maffucci_2016). This report does not provide unequivocal conclusions about association of the variant with Colorectal Cancer. To our knowledge, no experimental evidence demonstrating an impact on protein function has been reported. The following publication has been ascertained in the context of this evaluation (PMID: 27379089). ClinVar contains an entry for this variant (Variation ID: 473670). Based on the evidence outlined above, the variant was classified as uncertain significance.

Quest Diagnostics Nichols Institute San Juan Capistrano
Classification: Uncertain significance. Last evaluated: 2019-02-03. Review status: criteria provided, single submitter. Criteria: Quest Diagnostics criteria. Collection method: clinical testing. Allele origin: germline.

Fulgent Genetics
Classification: Uncertain significance for Colorectal cancer, susceptibility to, 12; Facial dysmorphism-immunodeficiency-livedo-short stature syndrome. Last evaluated: 2018-10-31. Review status: criteria provided, single submitter. Criteria: ACMG Guidelines, 2015. Collection method: clinical testing. Allele origin: unknown.

Mendelics
Classification: Uncertain significance for Familial colorectal cancer. Last evaluated: 2018-07-02. Review status: criteria provided, single submitter. Criteria: Mendelics Assertion Criteria 2017. Collection method: clinical testing. Allele origin: unknown.

PreventionGenetics, part of Exact Sciences
Classification: Uncertain significance for POLE-related condition. Last evaluated: 2024-09-10. Review status: no assertion criteria provided. Collection method: clinical testing. Allele origin: germline. Not counted in ClinVar's aggregate classification.
Comment: The POLE c.4522C>G variant is predicted to result in the amino acid substitution p.Arg1508Gly. This variant has been reported in an individual with immunodeficiency (Maffucci et al. 2016. Pubmed ID:27379089, Supplementary table 5). Different variant at the same codon p.Arg1508His was reported in hereditary cancer predisposition as variant of unknown significance (Velázquez et al. 2020. Pubmed ID:32522261, Table S1). This variant is reported in 0.0087% of alleles in individuals of Latino descent in gnomAD. This variant is interpreted as a variant of uncertain significance in ClinVar. At this time, the clinical significance of this variant is uncertain due to the absence of conclusive functional and genetic evidence.

Literature cited by the submitters: PubMed 27379089 (cited by Labcorp Genetics (formerly Invitae), Labcorp and Women's Health and Genetics/Laboratory Corporation of America, LabCorp).